The following is an entry in ClinVar:

ClinVar aggregate classification (germline): Uncertain significance. Review status: criteria provided, multiple submitters, no conflicts (2 of 4 stars). 2 submissions from 2 submitters: Uncertain significance (2). Last evaluated 2024-09-26.

Conditions:
Inborn genetic diseases. Identifiers: MedGen C0950123, MeSH D030342.

Allele frequency attached by ClinVar (database versions not stated): gnomAD 0.00007; TOPMed 0.00007; gnomAD exomes 0.00011 and 0.00017; ExAC 0.00024.
gnomAD v4.1: 174 of 1,613,946 alleles (0.011%); highest among the groups gnomAD compares: Non-Finnish European, 0.013%; no homozygotes.

Submissions (2):

Ambry Genetics
Classification: Uncertain significance for Inborn genetic diseases. Last evaluated: 2024-09-26. Review status: criteria provided, single submitter. Criteria: Ambry Variant Classification Scheme 2023. Collection method: clinical testing. Allele origin: germline.

GeneDx
Classification: Uncertain significance. Last evaluated: 2017-06-13. Review status: criteria provided, single submitter. Criteria: GeneDx Variant Classification (06012015). Collection method: clinical testing. Allele origin: germline. Affected: yes.
Comment: The c.442 A>G variant in the KLHL24 gene has not been reported previously as a pathogenic variant, nor as a benign variant, to our knowledge. The c.442 A>G variant is observed in 24/66,690 (0.036%) alleles from individuals of European (non-Finnish) background in the ExAC dataset (Lek et al., 2016). In-silico splice prediction models predict that c.442 A>G may create a cryptic splice donor site in exon 3, which may supplant the natural donor site. However, in the absence of RNA/functional studies, the actual effect of the c.442 A>G change in this individual is unknown. If c.442 A>G does not alter splicing, it will result in the I148V missense change. The I148V variant is a conservative amino acid substitution, which is not likely to impact secondary protein structure as these residues share similar properties. While this substitution occurs at a position that is conserved across species, in silico analysis is inconsistent in its predictions as to whether or not the variant is damaging to the protein structure/function. We interpret c.442 A>G as a variant of uncertain significance.

NM_017644.3(KLHL24):c.442A>G (p.Ile148Val)

Gene: KLHL24 (kelch like family member 24; plus strand). Cytogenetic location: 3q27.1.
Variant type: single nucleotide variant.
Coding change: c.442A>G on transcript NM_017644.3 (MANE Select); coding-DNA position 442, A replaced by G.
Protein change: p.Ile148Val; replaces isoleucine 148 with valine.
Molecular consequence: missense variant. On other transcripts: 5 prime UTR variant (2), non-coding transcript variant (2).
Genome position (GRCh38, 1-based): chr3:183,650,798, A>G. VCF-style: chr3-183650798-A-G. GRCh37 (hg19) VCF-style: chr3-183368586-A-G.
Other names: c.442A>G, p.Ile148Val (NM_001349413.1, NM_001349414.1, NM_001349415.1 and 11 more transcripts); c.-525A>G (NM_001349428.1, NM_001349429.1); short protein forms I148V.
Identifiers: ClinVar variation 450020 (VCV000450020.3), dbSNP rs779398932, ClinGen allele CA2721564.